The following is an entry in ClinVar:

NM_001458.5(FLNC):c.3557C>T (p.Ala1186Val)

Gene: FLNC (filamin C; plus strand). Cytogenetic location: 7q32.1.
Variant type: single nucleotide variant.
Coding change: c.3557C>T on transcript NM_001458.5 (MANE Select); coding-DNA position 3557, C replaced by T.
Protein change: p.Ala1186Val; replaces alanine 1186 with valine.
Molecular consequence: missense variant.
Genome position (GRCh38, 1-based): chr7:128,845,022, C>T. VCF-style: chr7-128845022-C-T. GRCh37 (hg19) VCF-style: chr7-128485076-C-T.
Other names: c.3557C>T, p.Ala1186Val (NM_001127487.2); short protein forms A1186V.
Identifiers: ClinVar variation 427928 (VCV000427928.46), dbSNP rs1114167361, ClinGen allele CA369197234.

ClinVar aggregate classification (germline): Pathogenic/Likely pathogenic. Review status: criteria provided, multiple submitters, no conflicts (2 of 4 stars). 13 submissions from 13 submitters: Pathogenic (11); Likely pathogenic (2). Last evaluated 2026-09-01.

Conditions:
Inborn genetic diseases. Identifiers: MedGen C0950123, MeSH D030342.
Distal myopathy with posterior leg and anterior hand involvement. Also called: WILLIAMS DISTAL MYOPATHY. Identifiers: Orphanet 63273, MedGen C3279722, MONDO:0013550, OMIM 614065.
Abnormality of the musculature. Identifiers: MedGen C4021745, HP:0003011.
Myofibrillar myopathy 5. Also called: Filaminopathy (type); FILAMINOPATHY, AUTOSOMAL DOMINANT. Identifiers: Orphanet 171445, MedGen C1836050, MONDO:0012289, OMIM 609524.
Hypertrophic cardiomyopathy 26. Also called: Cardiomyopathy, familial hypertrophic, 26. Identifiers: Orphanet 75249, MedGen C4310749, MONDO:0014883, OMIM 617047.
FLNC-related disorder. Also called: FLNC-related disorders; FLNC-related condition.

Allele frequency attached by ClinVar (database versions not stated): gnomAD exomes below 0.00001.
gnomAD v4.1: 1 of 1,613,774 alleles (0.000062%); highest among the groups gnomAD compares: Non-Finnish European, 0.000085%; no homozygotes.

Submissions (13):

CeGaT Center for Human Genetics Tuebingen
Classification: Pathogenic. Last evaluated: 2026-09-01. Review status: criteria provided, single submitter. Criteria: CeGaT Center For Human Genetics Tuebingen Variant Classification Criteria Version 2. Collection method: clinical testing. Allele origin: germline. Affected: yes. Observed: 1 variant allele.
Comment: FLNC: PM6:Very Strong, PM2, PS4:Moderate, PP4, PS3:Supporting, BP1

3billion
Classification: Pathogenic for Distal myopathy with posterior leg and anterior hand involvement. Last evaluated: 2025-12-19. Review status: criteria provided, single submitter. Criteria: ACMG Guidelines, 2015. Collection method: clinical testing. Allele origin: germline. Affected: yes.
Comment: The variant is observed at an extremely low frequency in the gnomAD v4.1.0 dataset (total allele frequency: <0.001%). Predicted Consequence/Location: Missense variant. The majority of the known disease-causing variants of this gene are variants expected to result in premature termination of the protein. Damaging effect on gene or gene product predicted by in silico programs is uncertain [REVEL: 0.56 (damaging >=0.6, benign <0.4), 3Cnet: 0.00 (damaging >0.75, benign <0.1)]. The same nucleotide change resulting in the same amino acid change has been previously reported as pathogenic/likely pathogenic with strong evidence (ClinVar ID: VCV000427928 /PMID: 26436962 /3billion dataset). Therefore, this variant is classified as Pathogenic according to the recommendation of ACMG/AMP guideline.

GeneDx
Classification: Pathogenic. Last evaluated: 2025-04-15. Review status: criteria provided, single submitter. Criteria: GeneDx Variant Classification Process June 2021. Collection method: clinical testing. Allele origin: germline. Affected: yes.
Comment: Not observed at significant frequency in large population cohorts (gnomAD); In silico analysis supports that this missense variant has a deleterious effect on protein structure/function; This variant is associated with the following publications: (PMID: 26436962, 32154132, 21520333, 33060286, 32112656, 29858533, 32295012, 38397924, 35288587, 36286284, 34490615, 34857437, 34440373, 32824180, 35838873, 38544359, 38374194, 36104822)

Labcorp Genetics (formerly Invitae), Labcorp
Classification: Pathogenic for Distal myopathy with posterior leg and anterior hand involvement; Myofibrillar myopathy 5; Hypertrophic cardiomyopathy 26. Last evaluated: 2025-03-30. Review status: criteria provided, single submitter. Criteria: Invitae Variant Classification Sherloc (09022015). Collection method: clinical testing. Allele origin: germline.
Comment: This sequence change replaces alanine, which is neutral and non-polar, with valine, which is neutral and non-polar, at codon 1186 of the FLNC protein (p.Ala1186Val). This variant is not present in population databases (gnomAD no frequency). This missense change has been observed in individual(s) with congenital myopathy and/or myofibrillar myopathy (PMID: 21520333, 26436962; internal data). In at least one individual the variant was observed to be de novo. ClinVar contains an entry for this variant (Variation ID: 427928). Invitae Evidence Modeling of protein sequence and biophysical properties (such as structural, functional, and spatial information, amino acid conservation, physicochemical variation, residue mobility, and thermodynamic stability) has been performed for this missense variant. However, the output from this modeling did not meet the statistical confidence thresholds required to predict the impact of this variant on FLNC protein function. For these reasons, this variant has been classified as Pathogenic.

Institute of Human Genetics, University of Leipzig Medical Center
Classification: Pathogenic for Myofibrillar myopathy 5. Last evaluated: 2024-06-06. Review status: criteria provided, single submitter. Criteria: ACMG Guidelines, 2015. Collection method: clinical testing. Allele origin: de novo. Inheritance: Autosomal dominant inheritance. Affected: yes.
Comment: Criteria applied: PS2,PS4,PS3_SUP,PM2_SUP

Kariminejad - Najmabadi Pathology & Genetics Center
Classification: Pathogenic for Abnormality of the musculature. Last evaluated: 2021-07-10. Review status: criteria provided, single submitter. Criteria: ACMG Guidelines, 2015. Collection method: clinical testing. Allele origin: de novo. Affected: yes.

Blueprint Genetics
Classification: Pathogenic for FLNC-related disorders. Last evaluated: 2021-04-29. Review status: criteria provided, single submitter. Criteria: ACMG Guidelines, 2015. Collection method: clinical testing. Allele origin: germline. Affected: yes. Observed: 2 variant alleles.

Ambry Genetics
Classification: Pathogenic for Inborn genetic diseases. Last evaluated: 2019-09-18. Review status: criteria provided, single submitter. Criteria: Ambry exome assertion method (8-5-2015). Collection method: clinical testing. Allele origin: germline. Affected: yes. Observed: 1 variant allele.

Revvity Omics, Revvity
Classification: Pathogenic. Last evaluated: 2019-08-08. Review status: criteria provided, single submitter. Criteria: ACMG Guidelines, 2015. Collection method: clinical testing. Allele origin: germline.

Mendelics
Classification: Pathogenic for Myofibrillar myopathy 5. Last evaluated: 2019-05-28. Review status: criteria provided, single submitter. Criteria: Mendelics Assertion Criteria 2017. Collection method: clinical testing. Allele origin: unknown.

Centre for Mendelian Genomics, University Medical Centre Ljubljana
Classification: Likely pathogenic for Hypertrophic cardiomyopathy 26. Last evaluated: 2019-03-01. Review status: criteria provided, single submitter. Criteria: ACMG Guidelines, 2015. Collection method: clinical testing. Allele origin: unknown. Affected: yes.
Comment: This variant was classified as: Likely pathogenic. The following ACMG criteria were applied in classifying this variant: PS1,PM2,PP3.

Fulgent Genetics
Classification: Pathogenic for Myofibrillar myopathy 5; Distal myopathy with posterior leg and anterior hand involvement; Hypertrophic cardiomyopathy 26. Last evaluated: 2018-10-31. Review status: criteria provided, single submitter. Criteria: ACMG Guidelines, 2015. Collection method: clinical testing. Allele origin: unknown.

Institute Of Molecular Biology And Genetics, Federal Almazov National Medical Research Centre
Classification: Likely pathogenic for Hypertrophic cardiomyopathy 26. Review status: criteria provided, single submitter. Criteria: ACMG Guidelines, 2015. Collection method: research. Allele origin: germline. Inheritance: Autosomal dominant inheritance. Affected: yes. Observed: 2 variant alleles.
Comment: Mild signs of myopathy and neuropathy including muscle hypotonia were observed and confirmed by electromyography. There were noted atrium dilation and open foramen ovale. Besides, myocardial contractility is without changes with an additional systolic impulse.

Literature cited by the submitters: PubMed 26436962 (cited by 3 submitters); PubMed 21520333 (cited by Labcorp Genetics (formerly Invitae), Labcorp); PubMed 29858533 (cited by Ambry Genetics).